The following is an entry in ClinVar:

NM_001008537.3(NEXMIF):c.3584dup (p.Asn1195fs)

Gene: NEXMIF (neurite extension and migration factor; minus strand). Cytogenetic location: Xq13.3.
Variant type: Duplication.
Coding change: c.3584dup on transcript NM_001008537.3 (MANE Select); coding-DNA position 3584, one base duplicated (A; older notation c.3584dupA).
Protein change: p.Asn1195fs; shifts the reading frame from asparagine 1195.
Molecular consequence: frameshift variant.
Genome position (GRCh38, 1-based): chrX:74,740,973, T duplicated on the plus strand (A on the coding strand, the reverse complement: NEXMIF is on the minus strand); the first of 5 consecutive T bases (chrX:74,740,973-74,740,977); duplicating any one gives the same sequence. VCF-style (leftmost placement, unchanged base first): chrX-74740972-G-GT. GRCh37 (hg19) VCF-style: chrX-73960807-G-GT.
Other names: short protein forms N1195fs.
Identifiers: ClinVar variation 817190 (VCV000817190.36), dbSNP rs1602211044, ClinGen allele CA915951284.
Genomic context (GRCh38, chrX:74,740,972, plus strand): 5'-GTTTTTGCCAGGTGGTTTTTCAATCCCCTTGTTGTTACCTTTGAGGGATTTTTTCCTGGT[G>GT]TTTTTCTGAGAAGAGCTTTGGTTCATAGCCCCACTCTTGCTGGGTGAACTTTTCTTTCTT-3'

ClinVar aggregate classification (germline): Pathogenic. Review status: criteria provided, multiple submitters, no conflicts (2 of 4 stars). 2 submissions from 2 submitters: Pathogenic (2). Last evaluated 2021-04-01.

Submissions (2):

CeGaT Center for Human Genetics Tuebingen
Classification: Pathogenic. Last evaluated: 2021-04-01. Review status: criteria provided, single submitter. Criteria: CeGaT Center For Human Genetics Tuebingen Variant Classification Criteria Version 2. Collection method: clinical testing. Allele origin: germline. Affected: yes. Observed: 1 variant allele.

GeneDx
Classification: Pathogenic. Last evaluated: 2018-08-08. Review status: criteria provided, single submitter. Criteria: GeneDx Variant Classification (06012015). Collection method: clinical testing. Allele origin: germline. Affected: yes.
Comment: The c.3584dupA variant in the KIAA2022 gene has not been reported previously as a pathogenic variant nor as a benign variant, to our knowledge. The c.3584dupA variant causes a frameshift starting with codon Asparagine 1195, changes this amino acid to a Lysine residue, and creates a premature Stop codon at position 10 of the new reading frame, denoted p.Asn1195LysfsX10. This variant is predicted to cause loss of normal protein function either through protein truncation or nonsense-mediated mRNA decay. The c.3584dupA variant is not observed in large population cohorts (Lek et al., 2016). We interpret c.3584dupA as a pathogenic variant,